The following is an entry in ClinVar:

NM_016180.5(SLC45A2):c.703T>C (p.Cys235Arg)

Gene: SLC45A2 (solute carrier family 45 member 2; minus strand). Cytogenetic location: 5p13.2.
Variant type: single nucleotide variant.
Coding change: c.703T>C on transcript NM_016180.5 (MANE Select); coding-DNA position 703, T replaced by C.
Protein change: p.Cys235Arg; replaces cysteine 235 with arginine.
Molecular consequence: missense variant. On other transcripts: intron variant (1).
Genome position (GRCh38, 1-based): chr5:33,963,876, A>G on the plus strand (T>C on the coding strand, the complement: SLC45A2 is on the minus strand). VCF-style: chr5-33963876-A-G. GRCh37 (hg19) VCF-style: chr5-33963981-A-G.
Other names: c.703T>C, p.Cys235Arg (NM_001012509.4); c.563-9372T>C (NM_001297417.4); short protein forms C235R.
Identifiers: ClinVar variation 1966652 (VCV001966652.5), dbSNP rs1752522954, ClinGen allele CA359393885.

ClinVar aggregate classification (germline): Uncertain significance (1 of 4 stars; one submission).

Allele frequency attached by ClinVar (database versions not stated): gnomAD exomes below 0.00001.
gnomAD v4.1: 2 of 1,614,152 alleles (0.00012%); highest among the groups gnomAD compares: Non-Finnish European, 0.00017%; no homozygotes.

Submission:

Labcorp Genetics (formerly Invitae), Labcorp
Classification: Uncertain significance. Last evaluated: 2022-08-16. Review status: criteria provided, single submitter. Criteria: Invitae Variant Classification Sherloc (09022015). Collection method: clinical testing. Allele origin: germline.
Comment: This variant is not present in population databases (gnomAD no frequency). This sequence change replaces cysteine, which is neutral and slightly polar, with arginine, which is basic and polar, at codon 235 of the SLC45A2 protein (p.Cys235Arg). This variant has not been reported in the literature in individuals affected with SLC45A2-related conditions. Algorithms developed to predict the effect of missense changes on protein structure and function (SIFT, PolyPhen-2, Align-GVGD) all suggest that this variant is likely to be tolerated. In summary, the available evidence is currently insufficient to determine the role of this variant in disease. Therefore, it has been classified as a Variant of Uncertain Significance.